The following is an entry in ClinVar:

NM_002693.3(POLG):c.2345G>T (p.Gly782Val)

Gene: POLG (DNA polymerase gamma, catalytic subunit; minus strand). Cytogenetic location: 15q26.1.
Variant type: single nucleotide variant.
Coding change: c.2345G>T on transcript NM_002693.3 (MANE Select); coding-DNA position 2345, G replaced by T.
Protein change: p.Gly782Val; replaces glycine 782 with valine.
Molecular consequence: missense variant.
Genome position (GRCh38, 1-based): chr15:89,322,823, C>A on the plus strand (G>T on the coding strand, the complement: POLG is on the minus strand). VCF-style: chr15-89322823-C-A. GRCh37 (hg19) VCF-style: chr15-89866054-C-A.
Other names: c.2345G>T, p.Gly782Val (NM_001126131.2); short protein forms G782V.
Identifiers: ClinVar variation 2147484 (VCV002147484.4), dbSNP rs2152062396, ClinGen allele CA393756426.

ClinVar aggregate classification (germline): Uncertain significance (1 of 4 stars; one submission).

Conditions:
Progressive sclerosing poliodystrophy (MTDPS4A). Also called: Mitochondrial DNA depletion syndrome 4A (Alpers type); Alpers Syndrome; ALPERS DIFFUSE DEGENERATION OF CEREBRAL GRAY MATTER WITH HEPATIC CIRRHOSIS; Alpers-Huttenlocher Syndrome; ALPERS PROGRESSIVE INFANTILE POLIODYSTROPHY; NEURONAL DEGENERATION OF CHILDHOOD WITH LIVER DISEASE, PROGRESSIVE. Identifiers: Orphanet 726, MedGen C0205710, MONDO:0008758, OMIM 203700.

Submission:

Labcorp Genetics (formerly Invitae), Labcorp
Classification: Uncertain significance for Progressive sclerosing poliodystrophy. Last evaluated: 2022-03-26. Review status: criteria provided, single submitter. Criteria: Invitae Variant Classification Sherloc (09022015). Collection method: clinical testing. Allele origin: germline.
Comment: In summary, the available evidence is currently insufficient to determine the role of this variant in disease. Therefore, it has been classified as a Variant of Uncertain Significance. Algorithms developed to predict the effect of missense changes on protein structure and function are either unavailable or do not agree on the potential impact of this missense change (SIFT: "Tolerated"; PolyPhen-2: "Possibly Damaging"; Align-GVGD: "Class C0"). This variant has not been reported in the literature in individuals affected with POLG-related conditions. This variant is not present in population databases (gnomAD no frequency). This sequence change replaces glycine, which is neutral and non-polar, with valine, which is neutral and non-polar, at codon 782 of the POLG protein (p.Gly782Val).